The following is an entry in ClinVar:

ClinVar aggregate classification (germline): Uncertain significance. Review status: criteria provided, multiple submitters, no conflicts (2 of 4 stars). 2 submissions from 2 submitters: Uncertain significance (2). Last evaluated 2025-11-13.

Conditions:
Inborn genetic diseases. Identifiers: MedGen C0950123, MeSH D030342.

gnomAD v4.1: 19 of 1,613,474 alleles (0.0012%); highest among the groups gnomAD compares: Non-Finnish European, 0.0016%; no homozygotes.

Submissions (2):

Ambry Genetics
Classification: Uncertain significance for Inborn genetic diseases. Last evaluated: 2025-11-13. Review status: criteria provided, single submitter. Criteria: Ambry Variant Classification Scheme 2023. Collection method: clinical testing. Allele origin: germline.

Labcorp Genetics (formerly Invitae), Labcorp
Classification: Uncertain significance. Last evaluated: 2025-08-12. Review status: criteria provided, single submitter. Criteria: Invitae Variant Classification Sherloc (09022015). Collection method: clinical testing. Allele origin: germline.
Comment: This sequence change replaces isoleucine, which is neutral and non-polar, with valine, which is neutral and non-polar, at codon 283 of the ALDH3A2 protein (p.Ile283Val). This variant is present in population databases (rs762906652, gnomAD 0.002%). This variant has not been reported in the literature in individuals affected with ALDH3A2-related conditions. Invitae Evidence Modeling of protein sequence and biophysical properties (such as structural, functional, and spatial information, amino acid conservation, physicochemical variation, residue mobility, and thermodynamic stability) indicates that this missense variant is not expected to disrupt ALDH3A2 protein function with a negative predictive value of 95%. In summary, the available evidence is currently insufficient to determine the role of this variant in disease. Therefore, it has been classified as a Variant of Uncertain Significance.

NM_000382.3(ALDH3A2):c.847A>G (p.Ile283Val)

Gene: ALDH3A2 (aldehyde dehydrogenase 3 family member A2; plus strand). Cytogenetic location: 17p11.2.
Variant type: single nucleotide variant.
Coding change: c.847A>G on transcript NM_000382.3 (MANE Select); coding-DNA position 847, A replaced by G.
Protein change: p.Ile283Val; replaces isoleucine 283 with valine.
Molecular consequence: missense variant.
Genome position (GRCh38, 1-based): chr17:19,661,175, A>G. VCF-style: chr17-19661175-A-G. GRCh37 (hg19) VCF-style: chr17-19564488-A-G.
Other names: c.847A>G, p.Ile283Val (NM_001031806.2, NM_001369136.1, NM_001369137.2 and 3 more transcripts); c.268A>G, p.Ile90Val (NM_001369148.2); short protein forms I283V, I90V.
Identifiers: ClinVar variation 4574438 (VCV004574438.2).